The following is an entry in ClinVar:

NM_001374828.1(ARID1B):c.373GCGGCGGCA[3] (p.Ala130_Ser131insAlaAlaAla)

Genes: ARID1B (AT-rich interaction domain 1B; plus strand), LOC115308161 (uncharacterized LOC115308161; minus strand). Cytogenetic location: 6q25.3.
Variant type: Microsatellite.
Coding change: c.373GCGGCGGCA[3] on transcript NM_001374828.1 (MANE Select); three copies in a row of the 9-base unit GCGGCGGCA starting at c.373; the reference has two copies in a row; one copy, 9 bases duplicated.
Protein change: p.Ala130_Ser131insAlaAlaAla.
Molecular consequence: inframe insertion.
Genome position (GRCh38, 1-based): chr6:156,778,062-156,778,070, GCGGCGGCA duplicated; duplicating any 9 consecutive bases within chr6:156,778,053-156,778,070 gives the same sequence; the position shown is the placement nearest the transcript's 3' end. VCF-style (leftmost placement, unchanged base first): chr6-156778052-C-CGCGGCGGCA. GRCh37 (hg19) VCF-style: chr6-157099186-C-CGCGGCGGCA.
Other names: c.133_141dup9 (NM_020732.3); c.373GCGGCGGCA[3], p.Ala130_Ser131insAlaAlaAla (NM_001371656.1, NM_001374820.1, NM_017519.3); c.133_141dupGCGGCGGCA (NM_020732.3).
Identifiers: ClinVar variation 1196255 (VCV001196255.27), dbSNP rs769480864, ClinGen allele CA4066613.

ClinVar aggregate classification (germline): Likely benign. Review status: criteria provided, multiple submitters, no conflicts (2 of 4 stars). 6 submissions from 6 submitters: Likely benign (5). 1 of the submissions does not count toward it. Last evaluated 2025-02-16.

Conditions:
ARID1B-Related Disorder. Identifiers: MedGen CN381337.

Submissions (6):

Laboratory of Genetics, Children's Clinical University Hospital Latvia
Classification: Likely benign. Last evaluated: 2025-02-16. Review status: criteria provided, single submitter. Criteria: ACMG Guidelines, 2015. Collection method: clinical testing. Allele origin: germline. Affected: yes.

Labcorp Genetics (formerly Invitae), Labcorp
Classification: Likely benign. Last evaluated: 2025-02-12. Review status: criteria provided, single submitter. Criteria: Invitae Variant Classification Sherloc (09022015). Collection method: clinical testing. Allele origin: germline.

CeGaT Center for Human Genetics Tuebingen
Classification: Likely benign. Last evaluated: 2024-12-01. Review status: criteria provided, single submitter. Criteria: CeGaT Center For Human Genetics Tuebingen Variant Classification Criteria Version 2. Collection method: clinical testing. Allele origin: germline. Affected: yes. Observed: 1 variant allele.
Comment: ARID1B: BP3, BS2

Blueprint Genetics
Classification: Likely benign. Last evaluated: 2024-08-07. Review status: criteria provided, single submitter. Criteria: ACMG Guidelines, 2015. Collection method: clinical testing. Allele origin: germline.

GeneDx
Classification: Likely benign. Last evaluated: 2020-11-18. Review status: criteria provided, single submitter. Criteria: GeneDx Variant Classification Process June 2021. Collection method: clinical testing. Allele origin: germline. Affected: yes.

PreventionGenetics, part of Exact Sciences
Classification: Likely benign for ARID1B-related condition. Last evaluated: 2021-08-18. Review status: no assertion criteria provided. Collection method: clinical testing. Allele origin: germline. Not counted in ClinVar's aggregate classification.
Comment: This variant is classified as likely benign based on ACMG/AMP sequence variant interpretation guidelines (Richards et al. 2015 PMID: 25741868, with internal and published modifications).